The following is an entry in ClinVar:

NM_198271.5(LMOD3):c.608C>G (p.Pro203Arg)

Gene: LMOD3 (leiomodin 3; minus strand). Cytogenetic location: 3p14.1.
Variant type: single nucleotide variant.
Coding change: c.608C>G on transcript NM_198271.5 (MANE Select); coding-DNA position 608, C replaced by G.
Protein change: p.Pro203Arg; replaces proline 203 with arginine.
Molecular consequence: missense variant.
Genome position (GRCh38, 1-based): chr3:69,119,747, G>C on the plus strand (C>G on the coding strand, the complement: LMOD3 is on the minus strand). VCF-style: chr3-69119747-G-C. GRCh37 (hg19) VCF-style: chr3-69168898-G-C.
Other names: c.608C>G, p.Pro203Arg (NM_001304418.3); short protein forms P203R.
Identifiers: ClinVar variation 475329 (VCV000475329.14), dbSNP rs775919681, ClinGen allele CA2488951.
Genomic context (GRCh38, chr3:69,119,747, plus strand): 5'-AGAGCTAACTTCTTAGGATCTAATTTCGATATTTTTTTCTCACTTTGTTCTTGGGCCTCT[G>C]GTCTGTCTCTCTGTTCTTTGAATGCTTTGTCAGTTACCTGCTGGCAGTTGTTCTCACAAT-3'
Protein context (NP_938012.2, residues 193-213): DKAFKEQRDR[Pro203Arg]EAQEQSEKKI

ClinVar aggregate classification (germline): Conflicting classifications of pathogenicity. Review status: criteria provided, conflicting classifications (1 of 4 stars). 3 submissions from 3 submitters: Uncertain significance (2); Likely benign (1). Last evaluated 2025-11-26.

Conditions:
Nemaline myopathy 10 (NEM10). Identifiers: MedGen C4015360, MONDO:0014513, OMIM 616165.

Allele frequency attached by ClinVar (database versions not stated): gnomAD 0.00003 and 0.00004; gnomAD exomes 0.00007 and 0.00031; TOPMed 0.00013; ExAC 0.00027.

Submissions (3):

Labcorp Genetics (formerly Invitae), Labcorp
Classification: Likely benign for Nemaline myopathy 10. Last evaluated: 2025-11-26. Review status: criteria provided, single submitter. Criteria: Invitae Variant Classification Sherloc (09022015). Collection method: clinical testing. Allele origin: germline.

GeneDx
Classification: Uncertain significance. Last evaluated: 2025-04-29. Review status: criteria provided, single submitter. Criteria: GeneDx Variant Classification Process June 2021. Collection method: clinical testing. Allele origin: germline. Affected: yes.
Comment: In silico analysis indicates that this missense variant does not alter protein structure/function; Has not been previously published as pathogenic or benign to our knowledge

Eurofins Ntd Llc (ga)
Classification: Uncertain significance. Last evaluated: 2017-05-10. Review status: criteria provided, single submitter. Criteria: EGL Classification Definitions 2015. Collection method: clinical testing. Allele origin: germline. Observed: 1 variant allele, 1 heterozygote.